The following is an entry in ClinVar:

ClinVar aggregate classification (germline): Uncertain significance (1 of 4 stars; one submission).

Submission:

GeneDx
Classification: Uncertain significance. Last evaluated: 2026-02-15. Review status: criteria provided, single submitter. Criteria: GeneDx Variant Classification Process June 2021. Collection method: clinical testing. Allele origin: germline.
Comment: Not observed at significant frequency in large population cohorts (gnomAD); In silico analysis supports that this missense variant has a deleterious effect on protein structure/function; Has not been previously published as pathogenic or benign to our knowledge

NM_000875.5(IGF1R):c.1422A>C (p.Lys474Asn)

Gene: IGF1R (insulin like growth factor 1 receptor; plus strand). Cytogenetic location: 15q26.3.
Variant type: single nucleotide variant.
Coding change: c.1422A>C on transcript NM_000875.5 (MANE Select); coding-DNA position 1422, A replaced by C.
Protein change: p.Lys474Asn; replaces lysine 474 with asparagine.
Molecular consequence: missense variant.
Genome position (GRCh38, 1-based): chr15:98,908,859, A>C. VCF-style: chr15-98908859-A-C. GRCh37 (hg19) VCF-style: chr15-99452088-A-C.
Other names: c.1422A>C, p.Lys474Asn (NM_001291858.2); short protein forms K474N.
Identifiers: ClinVar variation 5009206 (VCV005009206.1).